The following is an entry in ClinVar:

ClinVar aggregate classification (germline): Uncertain significance (1 of 4 stars; one submission).

Conditions:
Wilms tumor 1 (WT1). Also called: Wilms tumor, somatic. Identifiers: Orphanet 654, MedGen CN033288, MONDO:0008679, OMIM 194070.

Allele frequency attached by ClinVar (database versions not stated): gnomAD exomes below 0.00001 and 0.00001.
gnomAD v4.1: 2 of 1,115,779 alleles (0.00018%); highest among the groups gnomAD compares: Non-Finnish European, 0.00012%; no homozygotes.

Submission:

Labcorp Genetics (formerly Invitae), Labcorp
Classification: Uncertain significance for Wilms tumor 1. Last evaluated: 2025-07-06. Review status: criteria provided, single submitter. Criteria: Invitae Variant Classification Sherloc (09022015). Collection method: clinical testing. Allele origin: germline.
Comment: This sequence change falls in intron 6 of the GPC3 gene. It does not directly change the encoded amino acid sequence of the GPC3 protein. It affects a nucleotide within the consensus splice site. This variant is present in population databases (no rsID available, gnomAD 0.001%), including at least one homozygous and/or hemizygous individual. This variant has not been reported in the literature in individuals affected with GPC3-related conditions. ClinVar contains an entry for this variant (Variation ID: 843931). Variants that disrupt the consensus splice site are a relatively common cause of aberrant splicing (PMID: 17576681, 9536098). Algorithms developed to predict the effect of sequence changes on RNA splicing suggest that this variant is not likely to affect RNA splicing. In summary, the available evidence is currently insufficient to determine the role of this variant in disease. Therefore, it has been classified as a Variant of Uncertain Significance.

Literature cited by the submitters: PubMed 17576681; PubMed 9536098.

NM_004484.4(GPC3):c.1413+4T>C

Gene: GPC3 (glypican 3; minus strand). Cytogenetic location: Xq26.2.
Variant type: single nucleotide variant.
Coding change: c.1413+4T>C on transcript NM_004484.4 (MANE Select); 4 bases into the intron after coding-DNA position 1413, T replaced by C.
Molecular consequence: intron variant.
Genome position (GRCh38, 1-based): chrX:133,661,726, A>G on the plus strand (T>C on the coding strand, the complement: GPC3 is on the minus strand). VCF-style: chrX-133661726-A-G. GRCh37 (hg19) VCF-style: chrX-132795754-A-G.
Other names: c.1251+4T>C (NM_001164619.2); c.1365+4T>C (NM_001164618.2); c.1482+4T>C (NM_001164617.2).
Identifiers: ClinVar variation 843931 (VCV000843931.8), dbSNP rs1468820113, ClinGen allele CA644537145.